The following is an entry in ClinVar:

NM_017763.6(RNF43):c.2276A>G (p.Tyr759Cys)

Gene: RNF43 (ring finger protein 43; minus strand). Cytogenetic location: 17q22.
Variant type: single nucleotide variant.
Coding change: c.2276A>G on transcript NM_017763.6 (MANE Select); coding-DNA position 2276, A replaced by G.
Protein change: p.Tyr759Cys; replaces tyrosine 759 with cysteine.
Molecular consequence: missense variant.
Genome position (GRCh38, 1-based): chr17:58,357,500, T>C on the plus strand (A>G on the coding strand, the complement: RNF43 is on the minus strand). VCF-style: chr17-58357500-T-C. GRCh37 (hg19) VCF-style: chr17-56434861-T-C.
Other names: c.2276A>G, p.Tyr759Cys (NM_001305544.3); c.1895A>G, p.Tyr632Cys (NM_001305545.2); short protein forms Y759C, Y632C.
Identifiers: ClinVar variation 1420382 (VCV001420382.7), dbSNP rs1450476536, ClinGen allele CA400385504.

ClinVar aggregate classification (germline): Uncertain significance. Review status: criteria provided, multiple submitters, no conflicts (2 of 4 stars). 2 submissions from 2 submitters: Uncertain significance (2). Last evaluated 2025-01-05.

gnomAD v4.1: 2 of 1,614,098 alleles (0.00012%); highest among the groups gnomAD compares: Admixed American, 0.0017%; no homozygotes.

Submissions (2):

Ambry Genetics
Classification: Uncertain significance. Last evaluated: 2025-01-05. Review status: criteria provided, single submitter. Criteria: Ambry Variant Classification Scheme 2023. Collection method: clinical testing. Allele origin: germline.
Comment: The p.Y759C variant (also known as c.2276A>G), located in coding exon 8 of the RNF43 gene, results from an A to G substitution at nucleotide position 2276. The tyrosine at codon 759 is replaced by cysteine, an amino acid with highly dissimilar properties. This amino acid position is conserved. In addition, this alteration is predicted to be tolerated by in silico analysis. Based on the available evidence, the clinical significance of this variant remains unclear.

Labcorp Genetics (formerly Invitae), Labcorp
Classification: Uncertain significance. Last evaluated: 2023-10-19. Review status: criteria provided, single submitter. Criteria: Invitae Variant Classification Sherloc (09022015). Collection method: clinical testing. Allele origin: germline.
Comment: This sequence change replaces tyrosine, which is neutral and polar, with cysteine, which is neutral and slightly polar, at codon 759 of the RNF43 protein (p.Tyr759Cys). This variant is present in population databases (no rsID available, gnomAD no frequency). This variant has not been reported in the literature in individuals affected with RNF43-related conditions. ClinVar contains an entry for this variant (Variation ID: 1420382). An algorithm developed to predict the effect of missense changes on protein structure and function (PolyPhen-2) suggests that this variant is likely to be disruptive. In summary, the available evidence is currently insufficient to determine the role of this variant in disease. Therefore, it has been classified as a Variant of Uncertain Significance.